The following is an entry in ClinVar:

ClinVar aggregate classification (germline): Likely benign. Review status: criteria provided, multiple submitters, no conflicts (2 of 4 stars). 2 submissions from 2 submitters: Likely benign (2). Last evaluated 2026-02-18.

Conditions:
IFT140-related disorder. Also called: IFT140-related condition.
Saldino-Mainzer syndrome (SRTD9). Also called: short-rib thoracic dysplasia 9 with or without polydactyly; Renal dysplasia, retinal pigmentary dystrophy, cerebellar ataxia and skeletal dysplasia; SHORT-RIB THORACIC DYSPLASIA 9 WITHOUT POLYDACTYLY; CONORENAL SYNDROME. Identifiers: Orphanet 140969, MedGen C1849437, MONDO:0009964, OMIM 266920.

Allele frequency attached by ClinVar (database versions not stated): gnomAD 0.00001; ExAC 0.00002; gnomAD exomes 0.00002; TOPMed 0.00002.
gnomAD v4.1: 26 of 1,604,452 alleles (0.0016%); highest among the groups gnomAD compares: South Asian, 0.014%; no homozygotes.

Submissions (2):

PreventionGenetics, part of Exact Sciences
Classification: Likely benign for IFT140-related condition. Last evaluated: 2026-02-18. Review status: criteria provided, single submitter. Criteria: ACMG Guidelines, 2015. Collection method: clinical testing. Allele origin: germline.
Comment: This variant is classified as likely benign based on ACMG/AMP sequence variant interpretation guidelines (Richards et al. 2015 PMID: 25741868, with internal and published modifications).

Labcorp Genetics (formerly Invitae), Labcorp
Classification: Likely benign for Saldino-Mainzer syndrome. Last evaluated: 2026-01-11. Review status: criteria provided, single submitter. Criteria: Invitae Variant Classification Sherloc (09022015). Collection method: clinical testing. Allele origin: germline.

NM_014714.4(IFT140):c.3078C>T (p.Val1026=)

Genes: IFT140 (intraflagellar transport 140; minus strand), LOC126862260 (CDK7 strongly-dependent group 2 enhancer GRCh37_chr16:1574508-1575707; plus strand). Cytogenetic location: 16p13.3.
Variant type: single nucleotide variant.
Coding change: c.3078C>T on transcript NM_014714.4 (MANE Select); coding-DNA position 3078, C replaced by T.
Protein change: p.Val1026=; no amino-acid change (valine 1026 retained).
Molecular consequence: synonymous variant.
Genome position (GRCh38, 1-based): chr16:1,524,615, G>A on the plus strand (C>T on the coding strand, the complement: IFT140 is on the minus strand). VCF-style: chr16-1524615-G-A. GRCh37 (hg19) VCF-style: chr16-1574616-G-A.
Other names: c.3078C>T (NM_014714.3).
Identifiers: ClinVar variation 2185967 (VCV002185967.5), dbSNP rs754240716, ClinGen allele CA7813327.